The following is an entry in ClinVar:

ClinVar aggregate classification (germline): Uncertain significance. Review status: criteria provided, multiple submitters, no conflicts (2 of 4 stars). 2 submissions from 2 submitters: Uncertain significance (2). Last evaluated 2023-05-31.

Conditions:
Inborn genetic diseases. Identifiers: MedGen C0950123, MeSH D030342.

Allele frequency attached by ClinVar (database versions not stated): TOPMed below 0.00001; gnomAD exomes 0.00001 and 0.00002; ExAC 0.00002.

Submissions (2):

Ambry Genetics
Classification: Uncertain significance for Inborn genetic diseases. Last evaluated: 2023-05-31. Review status: criteria provided, single submitter. Criteria: Ambry Variant Classification Scheme 2023. Collection method: clinical testing. Allele origin: germline.

Labcorp Genetics (formerly Invitae), Labcorp
Classification: Uncertain significance. Last evaluated: 2020-03-10. Review status: criteria provided, single submitter. Criteria: Invitae Variant Classification Sherloc (09022015). Collection method: clinical testing. Allele origin: germline.
Comment: This sequence change replaces glutamic acid with lysine at codon 44 of the PEX3 protein (p.Glu44Lys). The glutamic acid residue is highly conserved and there is a small physicochemical difference between glutamic acid and lysine. This variant is present in population databases (rs746152064, ExAC 0.02%). In summary, the available evidence is currently insufficient to determine the role of this variant in disease. Therefore, it has been classified as a Variant of Uncertain Significance. Algorithms developed to predict the effect of missense changes on protein structure and function are either unavailable or do not agree on the potential impact of this missense change (SIFT: "Tolerated"; PolyPhen-2: "Probably Damaging"; Align-GVGD: "Class C0"). This variant has not been reported in the literature in individuals with PEX3-related conditions.

NM_003630.3(PEX3):c.130G>A (p.Glu44Lys)

Gene: PEX3 (peroxisomal biogenesis factor 3; plus strand). Cytogenetic location: 6q24.2.
Variant type: single nucleotide variant.
Coding change: c.130G>A on transcript NM_003630.3 (MANE Select); coding-DNA position 130, G replaced by A.
Protein change: p.Glu44Lys; replaces glutamic acid 44 with lysine.
Molecular consequence: missense variant.
Genome position (GRCh38, 1-based): chr6:143,459,141, G>A. VCF-style: chr6-143459141-G-A. GRCh37 (hg19) VCF-style: chr6-143780278-G-A.
Other names: c.130G>A (NM_003630.2); short protein forms E44K.
Identifiers: ClinVar variation 1034671 (VCV001034671.10), dbSNP rs746152064, ClinGen allele CA4029464.
Genomic context (GRCh38, chr6:143,459,141, plus strand): 5'-GTAGGAGTATATATTCTGGGGAAATATGGACAGAAGAAAATCAGAGAAATACAGGAAAGG[G>A]AGGCTGCAGAATACATTGCCCAAGCACGACGACAATATCATTTTGAAAGTAACCAGAGGA-3'
Protein context (NP_003621.1, residues 34-54): QKKIREIQER[Glu44Lys]AAEYIAQARR